The following is an entry in ClinVar:

ClinVar aggregate classification (germline): Pathogenic/Likely pathogenic. Review status: criteria provided, multiple submitters, no conflicts (2 of 4 stars). 3 submissions from 3 submitters: Pathogenic (1); Likely pathogenic (2). Last evaluated 2025-10-12.

Conditions:
Primary ciliary dyskinesia. Also called: Ciliary dyskinesia. Identifiers: Orphanet 244, MedGen C0008780, MONDO:0016575, HP:0012265.

gnomAD v4.1: 4 of 1,611,440 alleles (0.00025%); highest among the groups gnomAD compares: Non-Finnish European, 0.00034%; no homozygotes.

Submissions (3):

Natera, Inc.
Classification: Likely pathogenic for Primary ciliary dyskinesia. Last evaluated: 2025-10-12. Review status: criteria provided, single submitter. Criteria: Natera Variant Classification Schema (03/2026). Collection method: clinical testing. Allele origin: germline.
Comment: The c.10870C>T variant in DNAH5 is a nonsense variant predicted to introduce a stop codon at amino acid 3624. This variant is expected to result in nonsense mediated decay, truncation, or a dysfunctional protein product. This variant is rare in the general population with a frequency below the threshold expected for the associated phenotype(s). Given the available evidence, this variant is classified as Likely Pathogenic.

Mayo Clinic Laboratories, Mayo Clinic
Classification: Likely pathogenic. Last evaluated: 2023-12-19. Review status: criteria provided, single submitter. Criteria: ACMG Guidelines, 2015. Collection method: clinical testing. Allele origin: germline. Observed: 1 variant allele.
Comment: PM2, PVS1

Labcorp Genetics (formerly Invitae), Labcorp
Classification: Pathogenic for Primary ciliary dyskinesia. Last evaluated: 2022-10-28. Review status: criteria provided, single submitter. Criteria: Invitae Variant Classification Sherloc (09022015). Collection method: clinical testing. Allele origin: germline.
Comment: This variant has not been reported in the literature in individuals affected with DNAH5-related conditions. For these reasons, this variant has been classified as Pathogenic. This variant is present in population databases (no rsID available, gnomAD 0.0009%). This sequence change creates a premature translational stop signal (p.Gln3624*) in the DNAH5 gene. It is expected to result in an absent or disrupted protein product. Loss-of-function variants in DNAH5 are known to be pathogenic (PMID: 11788826, 16627867).

Literature cited by the submitters: PubMed 11788826 (cited by Labcorp Genetics (formerly Invitae), Labcorp); PubMed 16627867 (cited by Labcorp Genetics (formerly Invitae), Labcorp).

NM_001369.3(DNAH5):c.10870C>T (p.Gln3624Ter)

Gene: DNAH5 (dynein axonemal heavy chain 5; minus strand). Cytogenetic location: 5p15.2.
Variant type: single nucleotide variant.
Coding change: c.10870C>T on transcript NM_001369.3 (MANE Select); coding-DNA position 10870, C replaced by T.
Protein change: p.Gln3624Ter; replaces glutamine 3624 with a stop codon.
Molecular consequence: nonsense.
Genome position (GRCh38, 1-based): chr5:13,753,235, G>A on the plus strand (C>T on the coding strand, the complement: DNAH5 is on the minus strand). VCF-style: chr5-13753235-G-A. GRCh37 (hg19) VCF-style: chr5-13753344-G-A.
Other names: p.Gln3624*; c.10870C>T (NM_001369.2); short protein forms Q3624*.
Identifiers: ClinVar variation 2798378 (VCV002798378.5), dbSNP rs1295167678, ClinGen allele CA359190719.